The following is an entry in ClinVar:

NM_000488.4(SERPINC1):c.299A>G (p.Asp100Gly)

Gene: SERPINC1 (serpin family C member 1; minus strand). Cytogenetic location: 1q25.1.
Variant type: single nucleotide variant.
Coding change: c.299A>G on transcript NM_000488.4 (MANE Select); coding-DNA position 299, A replaced by G.
Protein change: p.Asp100Gly; replaces aspartic acid 100 with glycine.
Molecular consequence: missense variant.
Genome position (GRCh38, 1-based): chr1:173,914,662, T>C on the plus strand (A>G on the coding strand, the complement: SERPINC1 is on the minus strand). VCF-style: chr1-173914662-T-C. GRCh37 (hg19) VCF-style: chr1-173883800-T-C.
Other names: NM_000488.4(SERPINC1):c.299A>G; p.Asp100Gly; c.155A>G, p.Asp52Gly (NM_001365052.2); c.299A>G, p.Asp100Gly (NM_001386302.1, NM_001386304.1, NM_001386305.1 and 1 more transcripts); c.380A>G, p.Asp127Gly (NM_001386303.1); short protein forms D100G, D52G, D127G.
Identifiers: ClinVar variation 635233 (VCV000635233.15), dbSNP rs369524182, ClinGen allele CA1251444.

ClinVar aggregate classification (germline): Likely benign. Review status: reviewed by expert panel (3 of 4 stars). 4 submissions from 4 submitters: Likely benign (1). 3 of the submissions do not count toward it. Last evaluated 2024-08-16.

Conditions:
Hereditary antithrombin deficiency (AT3D). Also called: Antithrombin III deficiency; Thrombophilia due to antithrombin III deficiency; Reduced antithrombin III activity; Antithrombin deficiency. Identifiers: Orphanet 82, MedGen C0272375, MONDO:0013144, OMIM 613118, HP:0001976.

Allele frequency attached by ClinVar (database versions not stated): gnomAD 0.00009 and 0.00008; TOPMed 0.00005; ExAC 0.00010; ESP Exome Variant Server 0.00015; gnomAD exomes 0.00009.

Submissions (4):

Clingen Thrombosis Variant Curation Expert Panel, ClinGen
Classification: Likely benign for Hereditary antithrombin deficiency. Last evaluated: 2024-08-16. Review status: reviewed by expert panel. Criteria: ClinGen ACMG Specifications SERPINC1 V1.0.0. Collection method: curation. Allele origin: germline. Inheritance: Autosomal dominant inheritance.
Comment: The c.299A>G (NM_000488.3) variant in SERPINC1 is a missense variant predicted to cause substitution of aspartic acid by glycine at amino acid 100 (p.Asp100Gly). The Grpmax filtering allele frequency in gnomAD v4.1 is 0.0002103, which is higher than the ClinGen SERPINC1 threshold ([>0.0002]) for BS1, and therefore meets this criterion (BS1). The computational predictor REVEL gives a score of 0.141, which is below the threshold of 0.3, and the splice site predictor Splice AI indicate that the variant has no impact on splicing, which suggests that the variant does not impact SERPINC1 function (BP4). In summary, this variant meets criteria to be classified as likely benign. ACMG/AMP criteria applied, as specified by the Thrombosis Variant Curation Expert Panel for SERPINC1: BS1, BP4

Labcorp Genetics (formerly Invitae), Labcorp
Classification: Likely benign for Hereditary antithrombin deficiency. Last evaluated: 2025-11-24. Review status: criteria provided, single submitter. Criteria: Invitae Variant Classification Sherloc (09022015). Collection method: clinical testing. Allele origin: germline. Not counted in ClinVar's aggregate classification.

Illumina Laboratory Services, Illumina
Classification: Uncertain significance for Hereditary antithrombin deficiency. Last evaluated: 2018-01-15. Review status: criteria provided, single submitter. Criteria: ICSL Variant Classification Criteria 13 December 2019. Collection method: clinical testing. Allele origin: germline. Not counted in ClinVar's aggregate classification.

Stanford Center for Inherited Cardiovascular Disease, Stanford University
Classification: Uncertain significance. Last evaluated: 2016-07-07. Review status: criteria provided, single submitter. Criteria: ACMG Guidelines, 2015. Collection method: provider interpretation. Allele origin: germline. Not counted in ClinVar's aggregate classification.